The following is an entry in ClinVar:

NM_000064.4(C3):c.3466G>C (p.Asp1156His)

Gene: C3 (complement C3; minus strand). Cytogenetic location: 19p13.3.
Variant type: single nucleotide variant.
Coding change: c.3466G>C on transcript NM_000064.4 (MANE Select); coding-DNA position 3466, G replaced by C.
Protein change: p.Asp1156His; replaces aspartic acid 1156 with histidine.
Molecular consequence: missense variant.
Genome position (GRCh38, 1-based): chr19:6,690,652, C>G on the plus strand (G>C on the coding strand, the complement: C3 is on the minus strand). VCF-style: chr19-6690652-C-G. GRCh37 (hg19) VCF-style: chr19-6690663-C-G.
Other names: short protein forms D1156H.
Identifiers: ClinVar variation 4744339 (VCV004744339.1).

ClinVar aggregate classification (germline): Uncertain significance (1 of 4 stars; one submission).

Submission:

Labcorp Genetics (formerly Invitae), Labcorp
Classification: Uncertain significance. Last evaluated: 2025-08-01. Review status: criteria provided, single submitter. Criteria: Invitae Variant Classification Sherloc (09022015). Collection method: clinical testing. Allele origin: germline.
Comment: This sequence change replaces aspartic acid, which is acidic and polar, with histidine, which is basic and polar, at codon 1156 of the C3 protein (p.Asp1156His). This variant is not present in population databases (gnomAD no frequency). This variant has not been reported in the literature in individuals affected with C3-related conditions. Invitae Evidence Modeling of protein sequence and biophysical properties (such as structural, functional, and spatial information, amino acid conservation, physicochemical variation, residue mobility, and thermodynamic stability) indicates that this missense variant is not expected to disrupt C3 protein function with a negative predictive value of 80%. In summary, the available evidence is currently insufficient to determine the role of this variant in disease. Therefore, it has been classified as a Variant of Uncertain Significance.